The following is an entry in ClinVar:

ClinVar aggregate classification (germline): Conflicting classifications of pathogenicity. Review status: criteria provided, conflicting classifications (1 of 4 stars). 2 submissions from 2 submitters: Likely pathogenic (1); Uncertain significance (1). Last evaluated 2025-07-29.

Conditions:
Cardiovascular phenotype. Identifiers: MedGen CN230736.
Long QT syndrome (LQTS). Identifiers: MedGen C0023976, MeSH D008133, MONDO:0002442. Disease mechanism: loss of function. Inheritance: Various modes of inheritance.

Submissions (2):

Ambry Genetics
Classification: Likely pathogenic for Cardiovascular phenotype. Last evaluated: 2025-07-29. Review status: criteria provided, single submitter. Criteria: Ambry Variant Classification Scheme 2023. Collection method: clinical testing. Allele origin: germline.
Comment: The p.L732P variant (also known as c.2195T>C), located in coding exon 9 of the KCNH2 gene, results from a T to C substitution at nucleotide position 2195. The leucine at codon 732 is replaced by proline, an amino acid with similar properties. This variant was reported in individual(s) with features consistent with long QT syndrome (Itoh H et al. Eur J Hum Genet, 2016 Aug;24:1160-6; Walsh R et al. Genet Med, 2021 Jan;23:47-58; Ambry internal data; external communication). This amino acid position is highly conserved in available vertebrate species. In addition, this alteration is predicted to be deleterious by in silico analysis. This variant is considered to be rare based on population cohorts in the Genome Aggregation Database (gnomAD). Based on the majority of available evidence to date, this variant is likely to be pathogenic.

Labcorp Genetics (formerly Invitae), Labcorp
Classification: Uncertain significance for Long QT syndrome. Last evaluated: 2024-04-13. Review status: criteria provided, single submitter. Criteria: Invitae Variant Classification Sherloc (09022015). Collection method: clinical testing. Allele origin: germline.
Comment: This sequence change replaces leucine, which is neutral and non-polar, with proline, which is neutral and non-polar, at codon 732 of the KCNH2 protein (p.Leu732Pro). This variant is not present in population databases (gnomAD no frequency). This missense change has been observed in individual(s) with long QT syndrome (PMID: 26669661; Invitae). An algorithm developed to predict the effect of missense changes on protein structure and function (PolyPhen-2) suggests that this variant is likely to be disruptive. In summary, the available evidence is currently insufficient to determine the role of this variant in disease. Therefore, it has been classified as a Variant of Uncertain Significance.

Literature cited by the submitters: PubMed 26669661 (cited by Ambry Genetics and Labcorp Genetics (formerly Invitae), Labcorp); PubMed 32893267 (cited by Ambry Genetics).

NM_000238.4(KCNH2):c.2195T>C (p.Leu732Pro)

Gene: KCNH2 (potassium voltage-gated channel subfamily H member 2; minus strand). Cytogenetic location: 7q36.1.
Variant type: single nucleotide variant.
Coding change: c.2195T>C on transcript NM_000238.4 (MANE Select); coding-DNA position 2195, T replaced by C.
Protein change: p.Leu732Pro; replaces leucine 732 with proline.
Molecular consequence: missense variant. On other transcripts: non-coding transcript variant (2).
Genome position (GRCh38, 1-based): chr7:150,950,371, A>G on the plus strand (T>C on the coding strand, the complement: KCNH2 is on the minus strand). VCF-style: chr7-150950371-A-G. GRCh37 (hg19) VCF-style: chr7-150647459-A-G.
Other names: c.1175T>C, p.Leu392Pro (NM_172057.3, NM_001204798.2); c.1907T>C, p.Leu636Pro (NM_001406753.1, NM_001406756.1); c.2018T>C, p.Leu673Pro (NM_001406755.1); c.1895T>C, p.Leu632Pro (NM_001406757.1); c.2195T>C, p.Leu732Pro (NM_172056.3); short protein forms L392P, L632P, L636P, L673P, L732P.
Identifiers: ClinVar variation 3720788 (VCV003720788.3).
Genomic context (GRCh38, chr7:150,950,371, plus strand): 5'-CGAAGGCAGCCCTTGGTGGCCCCTCGGAAGGGTTTGCAGTGCTGCAGCAGTGAGCGGTTC[A>G]GGTGCAGGCAGATGTCAGCCTGCAGGCACTCAGGGAAGCCCTTCAGCACCTGGGGGCAGG-3'
Protein context (NP_000229.1, residues 722-742): ECLQADICLH[Leu732Pro]NRSLLQHCKP